The following is an entry in ClinVar:

ClinVar aggregate classification (germline): Benign/Likely benign. Review status: criteria provided, multiple submitters, no conflicts (2 of 4 stars). 6 submissions from 6 submitters: Benign (2); Likely benign (4). Last evaluated 2023-04-11.

Conditions:
Age related macular degeneration 1 (ARMD1). Also called: MACULOPATHY, AGE-RELATED, 1. Identifiers: MedGen C1864205, MONDO:0011285, OMIM 603075.

Allele frequency attached by ClinVar (database versions not stated): ESP Exome Variant Server 0.00238; gnomAD 0.00448 and 0.00437; 1000 Genomes Project 30x 0.00141; 1000 Genomes Project 0.00180; gnomAD exomes 0.00457 and 0.00628; ExAC 0.00480; TOPMed 0.00355.
gnomAD v4.1: 9,755 of 1,613,796 alleles (0.6%); highest among the groups gnomAD compares: Non-Finnish European, 0.72%; 35 homozygotes.

Submissions (6):

Genome-Nilou Lab
Classification: Likely benign for Age related macular degeneration 1. Last evaluated: 2023-04-11. Review status: criteria provided, single submitter. Criteria: ACMG Guidelines, 2015. Collection method: clinical testing. Allele origin: germline. Affected: no.

Fulgent Genetics
Classification: Likely benign for Age related macular degeneration 1. Last evaluated: 2022-02-28. Review status: criteria provided, single submitter. Criteria: ACMG Guidelines, 2015. Collection method: clinical testing. Allele origin: unknown.

Labcorp Genetics (formerly Invitae), Labcorp
Classification: Benign. Last evaluated: 2019-12-31. Review status: criteria provided, single submitter. Criteria: Invitae Variant Classification Sherloc (09022015). Collection method: clinical testing. Allele origin: germline.

Illumina Laboratory Services, Illumina
Classification: Likely benign for Age related macular degeneration 1. Last evaluated: 2018-01-13. Review status: criteria provided, single submitter. Criteria: ICSL Variant Classification Criteria 13 December 2019. Collection method: clinical testing. Allele origin: germline.
Comment: This variant was observed in the ICSL laboratory as part of a predisposition screen in an ostensibly healthy population. It had not been previously curated by ICSL or reported in the Human Gene Mutation Database (HGMD: prior to June 1st, 2018), and was therefore a candidate for classification through an automated scoring system. Utilizing variant allele frequency, disease prevalence and penetrance estimates, and inheritance mode, an automated score was calculated to assess if this variant is too frequent to cause the disease. Based on the score and internal cut-off values, a variant classified as likely benign is not then subjected to further curation. The score for this variant resulted in a classification of likely benign for this disease.

Eurofins Ntd Llc (ga)
Classification: Benign. Last evaluated: 2015-01-13. Review status: criteria provided, single submitter. Criteria: EGL Classification Definitions 2015. Collection method: clinical testing. Allele origin: germline.

Breakthrough Genomics
Classification: Likely benign. Review status: criteria provided, single submitter. Criteria: ACMG Guidelines, 2015. Collection method: not provided. Allele origin: germline. Inheritance: Autosomal dominant inheritance. Affected: yes.

NM_031935.3(HMCN1):c.15010A>T (p.Thr5004Ser)

Genes: HMCN1 (hemicentin 1; plus strand), LOC129388665 (MPRA-validated peak513 silencer; plus strand). Cytogenetic location: 1q31.1.
Variant type: single nucleotide variant.
Coding change: c.15010A>T on transcript NM_031935.3 (MANE Select); coding-DNA position 15010, A replaced by T.
Protein change: p.Thr5004Ser; replaces threonine 5004 with serine.
Molecular consequence: missense variant.
Genome position (GRCh38, 1-based): chr1:186,152,863, A>T. VCF-style: chr1-186152863-A-T. GRCh37 (hg19) VCF-style: chr1-186121995-A-T.
Other names: short protein forms T5004S.
Identifiers: ClinVar variation 199238 (VCV000199238.16), dbSNP rs114364265, ClinGen allele CA203809.
Genomic context (GRCh38, chr1:186,152,863, plus strand): 5'-TTGCTGCTAGATATCGTTGTGAGTGGCTATGTCCTACAGCTTCAGTCACCTGCTGAAGTC[A>T]CTGTAAAGGTAAAATGCCAGGATAACTTGTCTTTGCTGCTTATTAGAGTAATGATGAGTG-3'
Protein context (NP_114141.2, residues 4994-5014): VLQLQSPAEV[Thr5004Ser]VKDYTEDYIQ